The following is an entry in ClinVar:

NC_012920.1(MT-TS2):m.12223A>G

Gene: MT-TS2 (mitochondrially encoded tRNA serine 2 (AGU/C); plus strand).
Variant type: single nucleotide variant.
Genome position: chrM-12223-A-G.
Identifiers: ClinVar variation 690163 (VCV000690163.1), dbSNP rs1603223624, ClinGen allele CA913169766.
Genomic context (GRCh38, chrMT:12,223, plus strand): 5'-AGATTGTGAATCTGACAACAGAGGCTTACGACCCCTTATTTACCGAGAAAGCTCACAAGA[A>G]CTGCTAACTCATGCCCCCATGTCTAACAACATGGCTTTCTCAACTTTTAAAGGATAACAG-3'

ClinVar aggregate classification (germline): Benign (1 of 4 stars; one submission).

Conditions:
MELAS syndrome (MELAS). Also called: Juvenile myopathy, encephalopathy, lactic acidosis, stroke. Identifiers: Orphanet 550, MedGen C0162671, MONDO:0010789, OMIM 540000.

Submission:

Wong Mito Lab, Molecular and Human Genetics, Baylor College of Medicine
Classification: Benign for MELAS syndrome. Last evaluated: 2019-07-12. Review status: criteria provided, single submitter. Criteria: Modified ACMG Guidelines (Unpublished). Collection method: clinical testing. Allele origin: germline.
Comment: The NC_012920.1:m.12223A>G variant in MT-TS2 gene is interpreted to be a Benign variant based on the modified ACMG guidelines (unpublished). This variant meets the following evidence codes reported in the guidelines: BS1, BS4, BP4

Literature cited by the submitters: PubMed 31965079.